The following is an entry in ClinVar:

NM_001844.5(COL2A1):c.1887+5G>A

Gene: COL2A1 (collagen type II alpha 1 chain; minus strand). Cytogenetic location: 12q13.11.
Variant type: single nucleotide variant.
Coding change: c.1887+5G>A on transcript NM_001844.5 (MANE Select); 5 bases into the intron after coding-DNA position 1887, G replaced by A.
Molecular consequence: intron variant.
Genome position (GRCh38, 1-based): chr12:47,984,541, C>T on the plus strand (G>A on the coding strand, the complement: COL2A1 is on the minus strand). VCF-style: chr12-47984541-C-T. GRCh37 (hg19) VCF-style: chr12-48378324-C-T.
Other names: c.1680+5G>A (NM_033150.3).
Identifiers: ClinVar variation 2114622 (VCV002114622.4), dbSNP rs774641429, ClinGen allele CA2034453664.
Genomic context (GRCh38, chr12:47,984,541, plus strand): 5'-TCCCCTGTCCTCCCTGCAGATGCCCGGCCAACACCAAGTCATGGGCAGCGGGGAAGGATA[C>T]TTACCCTCAGACCAGGAGCACCAGGCAGTCCCTTCTCACCAGCTTTGCCAGGCTCACCCT-3'

ClinVar aggregate classification (germline): Uncertain significance (1 of 4 stars; one submission).

Allele frequency attached by ClinVar (database versions not stated): gnomAD exomes below 0.00001.
gnomAD v4.1: 1 of 1,614,146 alleles (0.000062%); highest among the groups gnomAD compares: Non-Finnish European, 0.000085%; no homozygotes.

Submission:

Labcorp Genetics (formerly Invitae), Labcorp
Classification: Uncertain significance. Last evaluated: 2022-10-13. Review status: criteria provided, single submitter. Criteria: Invitae Variant Classification Sherloc (09022015). Collection method: clinical testing. Allele origin: germline.
Comment: In summary, the available evidence is currently insufficient to determine the role of this variant in disease. Therefore, it has been classified as a Variant of Uncertain Significance. Variants that disrupt the consensus splice site are a relatively common cause of aberrant splicing (PMID: 17576681, 9536098). Algorithms developed to predict the effect of sequence changes on RNA splicing suggest that this variant is not likely to affect RNA splicing. This variant has not been reported in the literature in individuals affected with COL2A1-related conditions. This variant is not present in population databases (gnomAD no frequency). This sequence change falls in intron 28 of the COL2A1 gene. It does not directly change the encoded amino acid sequence of the COL2A1 protein. It affects a nucleotide within the consensus splice site.

Literature cited by the submitters: PubMed 17576681; PubMed 9536098.